The following is an entry in ClinVar:

NM_000260.4(MYO7A):c.2468G>C (p.Arg823Pro)

Gene: MYO7A (myosin VIIA; plus strand). Cytogenetic location: 11q13.5.
Variant type: single nucleotide variant.
Coding change: c.2468G>C on transcript NM_000260.4 (MANE Select); coding-DNA position 2468, G replaced by C.
Protein change: p.Arg823Pro; replaces arginine 823 with proline.
Molecular consequence: missense variant.
Genome position (GRCh38, 1-based): chr11:77,179,835, G>C. VCF-style: chr11-77179835-G-C. GRCh37 (hg19) VCF-style: chr11-76890881-G-C.
Other names: c.2468G>C, p.Arg823Pro (NM_001127180.2); c.2435G>C, p.Arg812Pro (NM_001369365.1); short protein forms R823P, R812P.
Identifiers: ClinVar variation 860481 (VCV000860481.11), dbSNP rs533027065, ClinGen allele CA381941717.

ClinVar aggregate classification (germline): Uncertain significance. Review status: criteria provided, multiple submitters, no conflicts (2 of 4 stars). 5 submissions from 5 submitters: Uncertain significance (4). 1 of the submissions does not count toward it. Last evaluated 2024-10-07.

Conditions:
Inborn genetic diseases. Identifiers: MedGen C0950123, MeSH D030342.
Usher syndrome type 1B (USH1B). Also called: Usher syndrome type IB. Identifiers: MedGen C1848638, MONDO:0700087.

Allele frequency attached by ClinVar (database versions not stated): TOPMed 0.00001.
gnomAD v4.1: 21 of 1,543,434 alleles (0.0014%); highest among the groups gnomAD compares: Non-Finnish European, 0.0017%; no homozygotes.

Submissions (5):

Ambry Genetics
Classification: Uncertain significance for Inborn genetic diseases. Last evaluated: 2024-10-07. Review status: criteria provided, single submitter. Criteria: Ambry Variant Classification Scheme 2023. Collection method: clinical testing. Allele origin: germline.

Labcorp Genetics (formerly Invitae), Labcorp
Classification: Uncertain significance. Last evaluated: 2022-09-14. Review status: criteria provided, single submitter. Criteria: Invitae Variant Classification Sherloc (09022015). Collection method: clinical testing. Allele origin: germline.
Comment: This sequence change replaces arginine, which is basic and polar, with proline, which is neutral and non-polar, at codon 823 of the MYO7A protein (p.Arg823Pro). This variant is present in population databases (no rsID available, gnomAD 0.002%). This variant has not been reported in the literature in individuals affected with MYO7A-related conditions. ClinVar contains an entry for this variant (Variation ID: 860481). Advanced modeling of protein sequence and biophysical properties (such as structural, functional, and spatial information, amino acid conservation, physicochemical variation, residue mobility, and thermodynamic stability) has been performed at Invitae for this missense variant, however the output from this modeling did not meet the statistical confidence thresholds required to predict the impact of this variant on MYO7A protein function. In summary, the available evidence is currently insufficient to determine the role of this variant in disease. Therefore, it has been classified as a Variant of Uncertain Significance.

Blueprint Genetics
Classification: Uncertain significance. Last evaluated: 2022-09-05. Review status: criteria provided, single submitter. Criteria: ACMG Guidelines, 2015. Collection method: clinical testing. Allele origin: germline.

GeneDx
Classification: Uncertain significance. Last evaluated: 2019-06-18. Review status: criteria provided, single submitter. Criteria: GeneDx Variant Classification Process June 2021. Collection method: clinical testing. Allele origin: germline. Affected: yes.
Comment: Not observed at a significant frequency in large population cohorts (Lek et al., 2016); In silico analysis, which includes protein predictors and evolutionary conservation, supports a deleterious effect; Has not been previously published as pathogenic or benign to our knowledge

Natera, Inc.
Classification: Uncertain significance for Usher syndrome type 1B. Last evaluated: 2020-09-16. Review status: no assertion criteria provided. Collection method: clinical testing. Allele origin: germline. Not counted in ClinVar's aggregate classification.